The following is an entry in ClinVar:

ClinVar aggregate classification (germline): Uncertain significance. Review status: criteria provided, multiple submitters, no conflicts (2 of 4 stars). 2 submissions from 2 submitters: Uncertain significance (2). Last evaluated 2024-11-26.

Conditions:
Inborn genetic diseases. Identifiers: MedGen C0950123, MeSH D030342.

Allele frequency attached by ClinVar (database versions not stated): ExAC 0.00001; gnomAD 0.00001; gnomAD exomes 0.00001; TOPMed 0.00002.
gnomAD v4.1: 12 of 1,614,082 alleles (0.00074%); highest among the groups gnomAD compares: East Asian, 0.0045%; no homozygotes.

Submissions (2):

Ambry Genetics
Classification: Uncertain significance for Inborn genetic diseases. Last evaluated: 2024-11-26. Review status: criteria provided, single submitter. Criteria: Ambry Variant Classification Scheme 2023. Collection method: clinical testing. Allele origin: germline.

Labcorp Genetics (formerly Invitae), Labcorp
Classification: Uncertain significance. Last evaluated: 2022-10-13. Review status: criteria provided, single submitter. Criteria: Invitae Variant Classification Sherloc (09022015). Collection method: clinical testing. Allele origin: germline.
Comment: This sequence change replaces lysine, which is basic and polar, with glutamine, which is neutral and polar, at codon 661 of the SLC25A12 protein (p.Lys661Gln). This variant is present in population databases (rs758268906, gnomAD 0.0009%). This variant has not been reported in the literature in individuals affected with SLC25A12-related conditions. ClinVar contains an entry for this variant (Variation ID: 650484). Algorithms developed to predict the effect of missense changes on protein structure and function (SIFT, PolyPhen-2, Align-GVGD) all suggest that this variant is likely to be tolerated. In summary, the available evidence is currently insufficient to determine the role of this variant in disease. Therefore, it has been classified as a Variant of Uncertain Significance.

NM_003705.5(SLC25A12):c.1981A>C (p.Lys661Gln)

Gene: SLC25A12 (solute carrier family 25 member 12; minus strand). Cytogenetic location: 2q31.1.
Variant type: single nucleotide variant.
Coding change: c.1981A>C on transcript NM_003705.5 (MANE Select); coding-DNA position 1981, A replaced by C.
Protein change: p.Lys661Gln; replaces lysine 661 with glutamine.
Molecular consequence: missense variant. On other transcripts: non-coding transcript variant (1).
Genome position (GRCh38, 1-based): chr2:171,785,330, T>G on the plus strand (A>C on the coding strand, the complement: SLC25A12 is on the minus strand). VCF-style: chr2-171785330-T-G. GRCh37 (hg19) VCF-style: chr2-172641840-T-G.
Other names: c.1981A>C (NM_003705.3); short protein forms K661Q.
Identifiers: ClinVar variation 650484 (VCV000650484.9), dbSNP rs758268906, ClinGen allele CA1965991.